The following is an entry in ClinVar:

ClinVar aggregate classification (germline): Benign/Likely benign. Review status: criteria provided, multiple submitters, no conflicts (2 of 4 stars). 5 submissions from 5 submitters: Benign (4); Likely benign (1). Last evaluated 2026-02-03.

Conditions:
High myopia-sensorineural deafness syndrome. Also called: Deafness and myopia. Identifiers: Orphanet 363396, MedGen C3806275, MONDO:0009082, OMIM 221200.

Allele frequency attached by ClinVar (database versions not stated): gnomAD 0.00105 and 0.00157; gnomAD exomes 0.00167 and 0.00324; TOPMed 0.00207; ExAC 0.00361; 1000 Genomes Project 30x 0.00734; 1000 Genomes Project 0.00779.
gnomAD v4.1: 2,665 of 1,613,044 alleles (0.17%); highest among the groups gnomAD compares: East Asian, 5.5%; 77 homozygotes.

Submissions (5):

Labcorp Genetics (formerly Invitae), Labcorp
Classification: Benign. Last evaluated: 2026-02-03. Review status: criteria provided, single submitter. Criteria: Invitae Variant Classification Sherloc (09022015). Collection method: clinical testing. Allele origin: germline.

Fulgent Genetics
Classification: Likely benign for High myopia-sensorineural deafness syndrome. Last evaluated: 2021-07-20. Review status: criteria provided, single submitter. Criteria: ACMG Guidelines, 2015. Collection method: clinical testing. Allele origin: unknown.

GeneDx
Classification: Benign. Last evaluated: 2018-02-13. Review status: criteria provided, single submitter. Criteria: GeneDx Variant Classification (06012015). Collection method: clinical testing. Allele origin: germline. Affected: yes.
Comment: This variant is considered likely benign or benign based on one or more of the following criteria: it is a conservative change, it occurs at a poorly conserved position in the protein, it is predicted to be benign by multiple in silico algorithms, and/or has population frequency not consistent with disease.

Laboratory for Molecular Medicine, Mass General Brigham Personalized Medicine
Classification: Benign. Last evaluated: 2017-08-23. Review status: criteria provided, single submitter. Criteria: LMM Criteria. Collection method: clinical testing. Allele origin: germline. Observed: 1 variant allele.
Comment: p.Leu198Leu in exon 2 of SLITRK6: This variant is not expected to have clinical significance because it does not alter an amino acid residue, is not located within the splice consensus sequence, and has been identified in 4.88% (418/8568) of East Asian chromosomes by the Exome Aggregation Consortium (ExAC; dbSNP rs80087848).

Breakthrough Genomics
Classification: Benign. Review status: criteria provided, single submitter. Criteria: ACMG Guidelines, 2015. Collection method: not provided. Allele origin: germline. Inheritance: Autosomal recessive inheritance. Affected: yes.

NM_032229.3(SLITRK6):c.592T>C (p.Leu198=)

Gene: SLITRK6 (SLIT and NTRK like family member 6; minus strand). Cytogenetic location: 13q31.1.
Variant type: single nucleotide variant.
Coding change: c.592T>C on transcript NM_032229.3 (MANE Select); coding-DNA position 592, T replaced by C.
Protein change: p.Leu198=; no amino-acid change (leucine 198 retained).
Molecular consequence: synonymous variant.
Genome position (GRCh38, 1-based): chr13:85,795,917, A>G on the plus strand (T>C on the coding strand, the complement: SLITRK6 is on the minus strand). VCF-style: chr13-85795917-A-G. GRCh37 (hg19) VCF-style: chr13-86370052-A-G.
Identifiers: ClinVar variation 508586 (VCV000508586.17), dbSNP rs80087848, ClinGen allele CA7015257.
Genomic context (GRCh38, chr13:85,795,917, plus strand): 5'-TGTCCTCCAACTGAAGATCCAATATTCGGCCAATGTGTTCGAGAAAACCAACATAAGGCA[A>G]TGTTTGTAATTGATTTCCACGAAGATCTAGATGGGTTAAAGGAACAAATCGGAAGATGTT-3'
Protein context (NP_115605.2, residues 188-208): LDLRGNQLQT[Leu198=]PYVGFLEHIG